The following is an entry in ClinVar:

ClinVar aggregate classification (germline): Uncertain significance (1 of 4 stars; one submission).

Conditions:
Intellectual developmental disorder, autosomal dominant 22. Also called: Intellectual disability, autosomal dominant 22. Identifiers: MedGen CN029689, MONDO:0012869, OMIM 612337.

Submission:

Centre of Medical Genetics, University Hospital Muenster
Classification: Uncertain significance for Intellectual developmental disorder, autosomal dominant 22. Last evaluated: 2022-01-27. Review status: criteria provided, single submitter. Criteria: ACMG Guidelines, 2015. Collection method: clinical testing. Allele origin: germline. Affected: yes. Observed: 1 variant allele, 1 heterozygote.
Comment: ACMG categories: PM2,PP3

NM_205768.3(ZBTB18):c.1487A>G (p.Lys496Arg)

Gene: ZBTB18 (zinc finger and BTB domain containing 18; plus strand). Cytogenetic location: 1q44.
Variant type: single nucleotide variant.
Coding change: c.1487A>G on transcript NM_205768.3 (MANE Select); coding-DNA position 1487, A replaced by G.
Protein change: p.Lys496Arg; replaces lysine 496 with arginine.
Molecular consequence: missense variant.
Genome position (GRCh38, 1-based): chr1:244,055,261, A>G. VCF-style: chr1-244055261-A-G. GRCh37 (hg19) VCF-style: chr1-244218563-A-G.
Other names: c.1460A>G, p.Lys487Arg (NM_001278196.2, NM_006352.5); short protein forms K487R, K496R.
Identifiers: ClinVar variation 1675177 (VCV001675177.2), dbSNP rs2148557789, ClinGen allele CA345675247.